The following is an entry in ClinVar:

ClinVar aggregate classification (germline): Conflicting classifications of pathogenicity. Review status: criteria provided, conflicting classifications (1 of 4 stars). 8 submissions from 8 submitters: Uncertain significance (6); Likely benign (2). Last evaluated 2026-04-01.

Conditions:
Cardiovascular phenotype. Identifiers: MedGen CN230736.
Brittle cornea syndrome 1 (BCS1). Also called: Corneal fragility keratoglobus, blue sclerae AND joint hypermobility; DYSGENESIS MESODERMALIS CORNEAE ET SCLERAE; EDS6B; FRAGILITAS OCULI WITH JOINT HYPEREXTENSIBILITY; CORNEAL FRAGILITY, KERATOGLOBUS, BLUE SCLERAE, JOINT HYPEREXTENSIBILITY. Identifiers: Orphanet 90354, MedGen C0268344, MONDO:0024543, OMIM 229200.

Allele frequency attached by ClinVar (database versions not stated): gnomAD 0.00005; TOPMed 0.00006.
gnomAD v4.1: 119 of 1,550,246 alleles (0.0077%); highest among the groups gnomAD compares: Middle Eastern, 0.17%; 2 homozygotes.

Submissions (8):

CeGaT Center for Human Genetics Tuebingen
Classification: Likely benign. Last evaluated: 2026-04-01. Review status: criteria provided, single submitter. Criteria: CeGaT Center For Human Genetics Tuebingen Variant Classification Criteria Version 2. Collection method: clinical testing. Allele origin: germline. Affected: yes. Observed: 3 variant alleles.
Comment: ZNF469: BP4, BS2

Women's Health and Genetics/Laboratory Corporation of America, LabCorp
Classification: Uncertain significance. Last evaluated: 2025-10-03. Review status: criteria provided, single submitter. Criteria: LabCorp Variant Classification Summary - May 2015. Collection method: clinical testing. Allele origin: germline.
Comment: Variant summary: ZNF469 c.5332C>A (p.Pro1778Thr) results in a non-conservative amino acid change in the encoded protein sequence. Algorithms developed to predict the effect of missense changes on protein structure and function are either unavailable or do not agree on the potential impact of this missense change. The variant allele was found at a frequency of 0.00012 in 152282 control chromosomes. This frequency is not significantly higher than estimated for disease-causing variants in ZNF469, allowing no conclusion about variant significance. To our knowledge, no occurrence of c.5332C>A in individuals affected with ZNF469-related conditions and no experimental evidence demonstrating its impact on protein function have been reported. ClinVar contains an entry for this variant (Variation ID: 932682). Based on the evidence outlined above, the variant was classified as uncertain significance.

Mayo Clinic Laboratories, Mayo Clinic
Classification: Uncertain significance. Last evaluated: 2025-06-05. Review status: criteria provided, single submitter. Criteria: ACMG Guidelines, 2015. Collection method: clinical testing. Allele origin: germline. Observed: 1 variant allele.
Comment: BP4_moderate

GeneDx
Classification: Uncertain significance. Last evaluated: 2024-06-12. Review status: criteria provided, single submitter. Criteria: GeneDx Variant Classification Process June 2021. Collection method: clinical testing. Allele origin: germline. Affected: yes.
Comment: In silico analysis supports that this missense variant does not alter protein structure/function; Has not been previously published as pathogenic or benign to our knowledge

Pittsburgh Clinical Genomics Laboratory, University of Pittsburgh Medical Center
Classification: Uncertain significance for Brittle cornea syndrome 1. Last evaluated: 2023-07-12. Review status: criteria provided, single submitter. Criteria: ACMG Guidelines, 2015. Collection method: clinical testing. Allele origin: germline. Inheritance: Autosomal recessive inheritance. Affected: yes.
Comment: This sequence variant is a single nucleotide substitution (C>A) at position 5248 of the coding sequence of the ZNF469 gene that results in a proline to threonine amino acid change at residue 1750 of the ZNF469 protein. This is a previously reported variant (ClinVar 932682) that has not been observed in the literature in individuals affected by ZNF469-related disorder, to our knowledge. This variant is present in 20 of 183684 alleles (0.0109%) in the gnomAD population dataset. Multiple bioinformatic tools predict that this proline to threonine amino acid change would be neutral, and the Pro1750 residue at this position is highly conserved across the vertebrate species examined. Studies examining the functiol consequence of this variant have not been performed, to our knowledge. At this time, there is insufficient evidence to determine if this variant is pathogenic or benign. Therefore, we consider this a variant of uncertain significance. ACMG Criteria: BP4, PM2

Labcorp Genetics (formerly Invitae), Labcorp
Classification: Uncertain significance. Last evaluated: 2022-10-17. Review status: criteria provided, single submitter. Criteria: Invitae Variant Classification Sherloc (09022015). Collection method: clinical testing. Allele origin: germline.
Comment: This sequence change replaces proline, which is neutral and non-polar, with threonine, which is neutral and polar, at codon 1750 of the ZNF469 protein (p.Pro1750Thr). This variant is present in population databases (rs528985816, gnomAD 0.02%). This variant has not been reported in the literature in individuals affected with ZNF469-related conditions. ClinVar contains an entry for this variant (Variation ID: 932682). Algorithms developed to predict the effect of missense changes on protein structure and function are either unavailable or do not agree on the potential impact of this missense change (SIFT: "Tolerated"; PolyPhen-2: "Possibly Damaging"; Align-GVGD: "Class C0"). In summary, the available evidence is currently insufficient to determine the role of this variant in disease. Therefore, it has been classified as a Variant of Uncertain Significance.

Ambry Genetics
Classification: Likely benign for Cardiovascular phenotype. Last evaluated: 2022-01-27. Review status: criteria provided, single submitter. Criteria: Ambry Variant Classification Scheme 2023. Collection method: clinical testing. Allele origin: germline.

Breakthrough Genomics
Classification: Uncertain significance. Review status: criteria provided, single submitter. Criteria: ACMG Guidelines, 2015. Collection method: not provided. Allele origin: germline. Inheritance: Autosomal recessive inheritance. Affected: yes.

NM_001367624.2(ZNF469):c.5332C>A (p.Pro1778Thr)

Gene: ZNF469 (zinc finger protein 469; plus strand). Cytogenetic location: 16q24.2.
Variant type: single nucleotide variant.
Coding change: c.5332C>A on transcript NM_001367624.2 (MANE Select); coding-DNA position 5332, C replaced by A.
Protein change: p.Pro1778Thr; replaces proline 1778 with threonine.
Molecular consequence: missense variant.
Genome position (GRCh38, 1-based): chr16:88,432,802, C>A. VCF-style: chr16-88432802-C-A. GRCh37 (hg19) VCF-style: chr16-88499210-C-A.
Other names: NM_001127464.1:c.5248C>A; p.Pro1778Thr; short protein forms P1778T.
Identifiers: ClinVar variation 932682 (VCV000932682.49), dbSNP rs528985816, ClinGen allele CA286377313.